The following is an entry in ClinVar:

ClinVar aggregate classification (germline): Uncertain significance (1 of 4 stars; one submission).

Conditions:
Hereditary cancer-predisposing syndrome. Also called: Tumor predisposition; Hereditary neoplastic syndrome; Neoplastic Syndromes, Hereditary; Hereditary Cancer Syndrome. Identifiers: Orphanet 140162, MedGen C0027672, MeSH D009386, MONDO:0015356.

Submission:

Ambry Genetics
Classification: Uncertain significance for Hereditary cancer-predisposing syndrome. Last evaluated: 2025-05-24. Review status: criteria provided, single submitter. Criteria: Ambry Variant Classification Scheme 2023. Collection method: clinical testing. Allele origin: germline.
Comment: The p.S744L variant (also known as c.2231C>T), located in coding exon 9 of the BLM gene, results from a C to T substitution at nucleotide position 2231. The serine at codon 744 is replaced by leucine, an amino acid with dissimilar properties. This amino acid position is conserved. In addition, this alteration is predicted to be tolerated by in silico analysis. Based on the available evidence, the clinical significance of this variant remains unclear.

NM_000057.4(BLM):c.2231C>T (p.Ser744Leu)

Gene: BLM (BLM RecQ like helicase; plus strand). Cytogenetic location: 15q26.1.
Variant type: single nucleotide variant.
Coding change: c.2231C>T on transcript NM_000057.4 (MANE Select); coding-DNA position 2231, C replaced by T.
Protein change: p.Ser744Leu; replaces serine 744 with leucine.
Molecular consequence: missense variant.
Genome position (GRCh38, 1-based): chr15:90,766,947, C>T. VCF-style: chr15-90766947-C-T. GRCh37 (hg19) VCF-style: chr15-91310177-C-T.
Other names: c.2231C>T, p.Ser744Leu (NM_001287246.2, NM_001287247.2); c.1106C>T, p.Ser369Leu (NM_001287248.2); short protein forms S369L, S744L.
Identifiers: ClinVar variation 3991612 (VCV003991612.1).